The following is an entry in ClinVar:

NM_001134831.2(AHI1):c.910del (p.Thr304fs)

Gene: AHI1 (Abelson helper integration site 1; minus strand). Cytogenetic location: 6q23.3.
Variant type: Deletion.
Coding change: c.910del on transcript NM_001134831.2 (MANE Select); coding-DNA position 910, one base deleted (A; older notation c.910delA).
Protein change: p.Thr304fs; shifts the reading frame from threonine 304.
Molecular consequence: frameshift variant.
Genome position (GRCh38, 1-based): chr6:135,463,146, T deleted on the plus strand (A on the coding strand, the reverse complement: AHI1 is on the minus strand); the first of 8 consecutive T bases (chr6:135,463,146-135,463,153); deleting any one gives the same sequence. VCF-style (leftmost placement, unchanged base first): chr6-135463145-GT-G. GRCh37 (hg19) VCF-style: chr6-135784283-GT-G.
Other names: c.910del, p.Thr304fs (NM_001134830.2, NM_001134832.2, NM_001350503.2 and 2 more transcripts); short protein forms T304fs.
Identifiers: ClinVar variation 851129 (VCV000851129.8), dbSNP rs753874898, ClinGen allele CA4012724.

ClinVar aggregate classification (germline): Pathogenic (1 of 4 stars; one submission).

Conditions:
Joubert syndrome. Also called: CEREBELLOPARENCHYMAL DISORDER IV; JOUBERT-BOLTSHAUSER SYNDROME; Familial aplasia of the vermis. Identifiers: Orphanet 475, MedGen C5979921, MONDO:0018772.

Submission:

Labcorp Genetics (formerly Invitae), Labcorp
Classification: Pathogenic for Joubert syndrome. Last evaluated: 2019-12-31. Review status: criteria provided, single submitter. Criteria: Invitae Variant Classification Sherloc (09022015). Collection method: clinical testing. Allele origin: germline.
Comment: The frequency data for this variant in the population databases is considered unreliable, as metrics indicate poor data quality at this position in the ExAC database. For these reasons, this variant has been classified as Pathogenic. Loss-of-function variants in AHI1 are known to be pathogenic (PMID: 15322546, 16453322). This variant has not been reported in the literature in individuals with AHI1-related conditions. This sequence change creates a premature translational stop signal (p.Thr304Glnfs*23) in the AHI1 gene. It is expected to result in an absent or disrupted protein product.

Literature cited by the submitters: PubMed 15322546; PubMed 16453322.